The following is an entry in ClinVar:

NM_019066.5(MAGEL2):c.2879G>A (p.Gly960Glu)

Gene: MAGEL2 (MAGE family member L2; minus strand). Cytogenetic location: 15q11.2.
Variant type: single nucleotide variant.
Coding change: c.2879G>A on transcript NM_019066.5 (MANE Select); coding-DNA position 2879, G replaced by A.
Protein change: p.Gly960Glu; replaces glycine 960 with glutamic acid.
Molecular consequence: missense variant.
Genome position (GRCh38, 1-based): chr15:23,644,864, C>T on the plus strand (G>A on the coding strand, the complement: MAGEL2 is on the minus strand). VCF-style: chr15-23644864-C-T. GRCh37 (hg19) VCF-style: chr15-23890011-C-T.
Other names: short protein forms G960E.
Identifiers: ClinVar variation 3682820 (VCV003682820.2).

ClinVar aggregate classification (germline): Uncertain significance (1 of 4 stars; one submission).

Submission:

Labcorp Genetics (formerly Invitae), Labcorp
Classification: Uncertain significance. Last evaluated: 2024-12-15. Review status: criteria provided, single submitter. Criteria: Invitae Variant Classification Sherloc (09022015). Collection method: clinical testing. Allele origin: germline.
Comment: This sequence change replaces glycine, which is neutral and non-polar, with glutamic acid, which is acidic and polar, at codon 960 of the MAGEL2 protein (p.Gly960Glu). This variant is not present in population databases (gnomAD no frequency). This variant has not been reported in the literature in individuals affected with MAGEL2-related conditions. Invitae Evidence Modeling of protein sequence and biophysical properties (such as structural, functional, and spatial information, amino acid conservation, physicochemical variation, residue mobility, and thermodynamic stability) indicates that this missense variant is not expected to disrupt MAGEL2 protein function with a negative predictive value of 80%. In summary, the available evidence is currently insufficient to determine the role of this variant in disease. Therefore, it has been classified as a Variant of Uncertain Significance.